The following is an entry in ClinVar:

NM_015512.5(DNAH1):c.170C>T (p.Pro57Leu)

Gene: DNAH1 (dynein axonemal heavy chain 1; plus strand). Cytogenetic location: 3p21.1.
Variant type: single nucleotide variant.
Coding change: c.170C>T on transcript NM_015512.5 (MANE Select); coding-DNA position 170, C replaced by T.
Protein change: p.Pro57Leu; replaces proline 57 with leucine.
Molecular consequence: missense variant.
Genome position (GRCh38, 1-based): chr3:52,322,612, C>T. VCF-style: chr3-52322612-C-T. GRCh37 (hg19) VCF-style: chr3-52356628-C-T.
Other names: short protein forms P57L.
Identifiers: ClinVar variation 567385 (VCV000567385.1), dbSNP rs1559485379, ClinGen allele CA353084230.
Genomic context (GRCh38, chr3:52,322,612, plus strand): 5'-ACCCGGGGAAGATTCTTCCAGGATCAGACTATGGGTTGGGAAATCCTCCAGCCCTTGACC[C>T]CAAGCTCCCACATTTACCCCTGCCCCCGGCCCCACCCACACTCTCAGACTTGGGGCAGCC-3'
Protein context (NP_056327.4, residues 47-67): YGLGNPPALD[Pro57Leu]KLPHLPLPPA

ClinVar aggregate classification (germline): Uncertain significance (1 of 4 stars; one submission).

Conditions:
Ciliary dyskinesia, primary, 37 (CILD37). Also called: CILIARY DYSKINESIA, PRIMARY, 37, WITH OR WITHOUT SITUS INVERSUS. Identifiers: MedGen C4539798, MONDO:0033204, OMIM 617577.
Spermatogenic failure 18. Identifiers: MedGen C4539783, MONDO:0054615, OMIM 617576.

gnomAD v4.1: 1 of 1,613,836 alleles (0.000062%); highest among the groups gnomAD compares: South Asian, 0.0011%; no homozygotes.

Submission:

Labcorp Genetics (formerly Invitae), Labcorp
Classification: Uncertain significance for Ciliary dyskinesia, primary, 37; Spermatogenic failure 18. Last evaluated: 2018-01-31. Review status: criteria provided, single submitter. Criteria: Invitae Variant Classification Sherloc (09022015). Collection method: clinical testing. Allele origin: germline.
Comment: This sequence change replaces proline with leucine at codon 57 of the DNAH1 protein (p.Pro57Leu). The proline residue is moderately conserved and there is a moderate physicochemical difference between proline and leucine. This variant is not present in population databases (ExAC no frequency). This variant has not been reported in the literature in individuals with DNAH1-related disease. Algorithms developed to predict the effect of missense changes on protein structure and function output the following: SIFT: "Tolerated"; PolyPhen-2: "Benign"; Align-GVGD: "Class C0". The leucine amino acid residue is found in multiple mammalian species, suggesting that this missense change does not adversely affect protein function. These predictions have not been confirmed by published functional studies and their clinical significance is uncertain. In summary, the available evidence is currently insufficient to determine the role of this variant in disease. Therefore, it has been classified as a Variant of Uncertain Significance.